The following is an entry in ClinVar:

NM_004168.4(SDHA):c.1881G>C (p.Leu627=)

Gene: SDHA (succinate dehydrogenase complex flavoprotein subunit A; plus strand). Cytogenetic location: 5p15.33.
Variant type: single nucleotide variant.
Coding change: c.1881G>C on transcript NM_004168.4 (MANE Select); coding-DNA position 1881, G replaced by C.
Protein change: p.Leu627=; no amino-acid change (leucine 627 retained).
Molecular consequence: synonymous variant.
Genome position (GRCh38, 1-based): chr5:254,479, G>C. VCF-style: chr5-254479-G-C. GRCh37 (hg19) VCF-style: chr5-254594-G-C.
Other names: c.1737G>C, p.Leu579= (NM_001294332.2); c.1638G>C, p.Leu546= (NM_001330758.2).
Identifiers: ClinVar variation 1575372 (VCV001575372.11), dbSNP rs1390181757, ClinGen allele CA359002121.

ClinVar aggregate classification (germline): Benign/Likely benign. Review status: criteria provided, multiple submitters, no conflicts (2 of 4 stars). 3 submissions from 3 submitters: Benign (1); Likely benign (2). Last evaluated 2025-03-11.

Conditions:
Hereditary cancer-predisposing syndrome. Also called: Tumor predisposition; Hereditary Cancer Syndrome; Hereditary neoplastic syndrome; Neoplastic Syndromes, Hereditary. Identifiers: Orphanet 140162, MedGen C0027672, MeSH D009386, MONDO:0015356.
Pheochromocytoma/paraganglioma syndrome 5. Also called: Paragangliomas 5; SDHA-Related Hereditary Paraganglioma-Pheochromocytoma Syndrome. Identifiers: Orphanet 29072, MedGen C3279992, MONDO:0013602, OMIM 614165.
Mitochondrial complex II deficiency, nuclear type 1. Also called: SUCCINATE CoQ REDUCTASE DEFICIENCY. Identifiers: Orphanet 3208, MedGen C5700310, MONDO:0100294, OMIM 252011.

Allele frequency attached by ClinVar (database versions not stated): gnomAD exomes 0.00001.
gnomAD v4.1: 3 of 1,580,388 alleles (0.00019%); highest among the groups gnomAD compares: East Asian, 0.0069%; no homozygotes.

Submissions (3):

Myriad Genetics, Inc.
Classification: Benign for Pheochromocytoma/paraganglioma syndrome 5. Last evaluated: 2025-03-11. Review status: criteria provided, single submitter. Criteria: Myriad Autosomal Dominant, Autosomal Recessive and X-Linked Classification Criteria (2023). Collection method: clinical testing. Allele origin: unknown.
Comment: This variant is considered benign. This variant is a silent/synonymous amino acid change and it is not expected to impact splicing.

Ambry Genetics
Classification: Likely benign for Hereditary cancer-predisposing syndrome. Last evaluated: 2021-09-07. Review status: criteria provided, single submitter. Criteria: Ambry Variant Classification Scheme 2023. Collection method: clinical testing. Allele origin: germline.

Labcorp Genetics (formerly Invitae), Labcorp
Classification: Likely benign for Pheochromocytoma/paraganglioma syndrome 5; Mitochondrial complex II deficiency, nuclear type 1. Last evaluated: 2021-01-29. Review status: criteria provided, single submitter. Criteria: Invitae Variant Classification Sherloc (09022015). Collection method: clinical testing. Allele origin: germline.